The following is an entry in ClinVar:

NM_004787.4(SLIT2):c.1620C>G (p.Leu540=)

Gene: SLIT2 (slit guidance ligand 2; plus strand). Cytogenetic location: 4p15.31.
Variant type: single nucleotide variant.
Coding change: c.1620C>G on transcript NM_004787.4 (MANE Select); coding-DNA position 1620, C replaced by G.
Protein change: p.Leu540=; no amino-acid change (leucine 540 retained).
Molecular consequence: synonymous variant.
Genome position (GRCh38, 1-based): chr4:20,531,990, C>G. VCF-style: chr4-20531990-C-G. GRCh37 (hg19) VCF-style: chr4-20533613-C-G.
Other names: c.1608C>G, p.Leu536= (NM_001289135.3); c.1596C>G, p.Leu532= (NM_001289136.3).
Identifiers: ClinVar variation 717490 (VCV000717490.41), dbSNP rs150677598, ClinGen allele CA2871559.

ClinVar aggregate classification (germline): Benign. Review status: criteria provided, multiple submitters, no conflicts (2 of 4 stars). 4 submissions from 4 submitters: Benign (3). 1 of the submissions does not count toward it. Last evaluated 2026-01-21.

Conditions:
SLIT2-related disorder. Also called: SLIT2-related condition.

Allele frequency attached by ClinVar (database versions not stated): 1000 Genomes Project 30x 0.00141; 1000 Genomes Project 0.00160; TOPMed 0.00225; ESP Exome Variant Server 0.00254; ExAC 0.00408; gnomAD 0.00422 and 0.00444.
gnomAD v4.1: 6,181 of 1,567,460 alleles (0.39%); highest among the groups gnomAD compares: Non-Finnish European, 0.37%; 29 homozygotes.

Submissions (4):

Labcorp Genetics (formerly Invitae), Labcorp
Classification: Benign. Last evaluated: 2026-01-21. Review status: criteria provided, single submitter. Criteria: Invitae Variant Classification Sherloc (09022015). Collection method: clinical testing. Allele origin: germline.

CeGaT Center for Human Genetics Tuebingen
Classification: Benign. Last evaluated: 2022-05-01. Review status: criteria provided, single submitter. Criteria: CeGaT Center For Human Genetics Tuebingen Variant Classification Criteria Version 2. Collection method: clinical testing. Allele origin: germline. Affected: yes. Observed: 1 variant allele.
Comment: SLIT2: BS1, BS2

Breakthrough Genomics
Classification: Benign. Review status: criteria provided, single submitter. Criteria: ACMG Guidelines, 2015. Collection method: not provided. Allele origin: germline. Inheritance: Unknown mechanism. Affected: yes.

PreventionGenetics, part of Exact Sciences
Classification: Benign for SLIT2-related condition. Last evaluated: 2019-10-14. Review status: no assertion criteria provided. Collection method: clinical testing. Allele origin: germline. Not counted in ClinVar's aggregate classification.
Comment: This variant is classified as benign based on ACMG/AMP sequence variant interpretation guidelines (Richards et al. 2015 PMID: 25741868, with internal and published modifications).